The following is an entry in ClinVar:

ClinVar aggregate classification (germline): Likely pathogenic. Review status: criteria provided, multiple submitters, no conflicts (2 of 4 stars). 2 submissions from 2 submitters: Likely pathogenic (2). Last evaluated 2025-05-10.

Conditions:
KMT2D-related disorder. Also called: KMT2D-Related Disorders.
Kabuki syndrome 1 (KABUK1). Also called: KMT2D-Related Kabuki Syndrome. Identifiers: Orphanet 2322, MedGen CN030661, MONDO:0007843, OMIM 147920.

Submissions (2):

3billion
Classification: Likely pathogenic for Kabuki syndrome 1. Last evaluated: 2025-05-10. Review status: criteria provided, single submitter. Criteria: ACMG Guidelines, 2015. Collection method: clinical testing. Allele origin: germline. Affected: yes.
Comment: The variant is not observed in the gnomAD v4.1.0 dataset. Predicted Consequence/Location: Frameshift: predicted to result in a loss or disruption of normal protein function through nonsense-mediated decay (NMD) or protein truncation. Multiple pathogenic variants are reported downstream of the variant. Therefore, this variant is classified as Likely pathogenic according to the recommendation of ACMG/AMP guideline.

Blueprint Genetics
Classification: Likely pathogenic for KMT2D-related disorders. Last evaluated: 2021-04-30. Review status: criteria provided, single submitter. Criteria: ACMG Guidelines, 2015. Collection method: clinical testing. Allele origin: germline. Affected: yes. Observed: 2 variant alleles.

NM_003482.4(KMT2D):c.1346del (p.Leu449fs)

Gene: KMT2D (lysine methyltransferase 2D; minus strand). Cytogenetic location: 12q13.12.
Variant type: Deletion.
Coding change: c.1346del on transcript NM_003482.4 (MANE Select); coding-DNA position 1346, one base deleted (T; older notation c.1346delT).
Protein change: p.Leu449fs; shifts the reading frame from leucine 449.
Molecular consequence: frameshift variant.
Genome position (GRCh38, 1-based): chr12:49,052,337, A deleted on the plus strand (T on the coding strand, the reverse complement: KMT2D is on the minus strand). VCF-style (leftmost placement, unchanged base first): chr12-49052336-CA-C. GRCh37 (hg19) VCF-style: chr12-49446119-CA-C.
Other names: short protein forms L449fs.
Identifiers: ClinVar variation 4854143 (VCV004854143.2).